The following is an entry in ClinVar:

ClinVar aggregate classification (germline): Pathogenic. Review status: reviewed by expert panel (3 of 4 stars). 6 submissions from 6 submitters: Pathogenic (1). 5 of the submissions do not count toward it. Last evaluated 2016-10-18.

Conditions:
Hereditary cancer-predisposing syndrome. Also called: Hereditary neoplastic syndrome; Neoplastic Syndromes, Hereditary; Tumor predisposition; Hereditary Cancer Syndrome. Identifiers: Orphanet 140162, MedGen C0027672, MeSH D009386, MONDO:0015356.
Breast-ovarian cancer, familial, susceptibility to, 2 (BROVCA2). Also called: BRCA2 Hereditary Breast and Ovarian Cancer. Identifiers: Orphanet 145, MedGen C2675520, MONDO:0012933, OMIM 612555. Disease mechanism: loss of function.
Hereditary breast ovarian cancer syndrome. Also called: BRCA1- and BRCA2-Associated Hereditary Breast and Ovarian Cancer; Hereditary breast and ovarian cancer; Breast and ovarian cancer; Hereditary breast and/or ovarian cancer syndrome; Hereditary breast and ovarian cancer syndrome; Hereditary breast and ovarian cancer syndrome (HBOC). Identifiers: Orphanet 145, MedGen C0677776, MeSH D061325, MONDO:0003582. Disease mechanism: loss of function.

Submissions (6):

Evidence-based Network for the Interpretation of Germline Mutant Alleles (ENIGMA)
Classification: Pathogenic for Breast-ovarian cancer, familial, susceptibility to, 2. Last evaluated: 2016-10-18. Review status: reviewed by expert panel. Criteria: ENIGMA BRCA1/2 Classification Criteria (2015). Collection method: curation. Allele origin: germline.
Comment: Variant allele predicted to encode a truncated non-functional protein.

Color Diagnostics, LLC DBA Color Health
Classification: Pathogenic for Hereditary cancer-predisposing syndrome. Last evaluated: 2025-07-18. Review status: criteria provided, single submitter. Criteria: ACMG Guidelines, 2015. Collection method: clinical testing. Allele origin: germline. Not counted in ClinVar's aggregate classification.
Comment: This variant causes a C to A nucleotide substitution resulting in a nonsense mutation at codon 2984 in the BRCA2 protein. The variant creates a premature translational stop signal and is expected to result in an absent or non-functional protein product. To our knowledge, this variant has not been reported in individuals affected with hereditary cancer in the literature. However, a nonsense mutation at this codon caused by a different single-nucleotide substitution has been reported in multiple individuals and families affected with breast and/or ovarian cancer (PMID: 8988179, 12649099, 16644204, 22798144, 28205045, 31837001, 32019277). This variant has not been identified in the general population by the Genome Aggregation Database (gnomAD). Loss of BRCA2 function is a known mechanism of disease. Based on the available evidence, this variant is classified as Pathogenic.

Labcorp Genetics (formerly Invitae), Labcorp
Classification: Pathogenic for Hereditary breast ovarian cancer syndrome. Last evaluated: 2025-05-25. Review status: criteria provided, single submitter. Criteria: Invitae Variant Classification Sherloc (09022015). Collection method: clinical testing. Allele origin: germline. Not counted in ClinVar's aggregate classification.
Comment: This sequence change creates a premature translational stop signal (p.Ser2984*) in the BRCA2 gene. It is expected to result in an absent or disrupted protein product. Loss-of-function variants in BRCA2 are known to be pathogenic (PMID: 20104584). This variant is not present in population databases (gnomAD no frequency). This variant has not been reported in the literature in individuals affected with BRCA2-related conditions. This variant is also known as 9179C>G. ClinVar contains an entry for this variant (Variation ID: 267123). For these reasons, this variant has been classified as Pathogenic.

Ambry Genetics
Classification: Pathogenic for Hereditary cancer-predisposing syndrome. Last evaluated: 2024-09-13. Review status: criteria provided, single submitter. Criteria: Ambry Variant Classification Scheme 2023. Collection method: clinical testing. Allele origin: germline. Not counted in ClinVar's aggregate classification.
Comment: The p.S2984* pathogenic mutation (also known as c.8951C>A), located in coding exon 21 of the BRCA2 gene, results from a C to A substitution at nucleotide position 8951. This changes the amino acid from a serine to a stop codon within coding exon 21. This variant is considered to be rare based on population cohorts in the Genome Aggregation Database (gnomAD). This alteration is expected to result in loss of function by premature protein truncation or nonsense-mediated mRNA decay. As such, this alteration is interpreted as a disease-causing mutation.

Women's Health and Genetics/Laboratory Corporation of America, LabCorp
Classification: Pathogenic for Hereditary breast ovarian cancer syndrome. Last evaluated: 2022-12-21. Review status: criteria provided, single submitter. Criteria: LabCorp Variant Classification Summary - May 2015. Collection method: clinical testing. Allele origin: germline. Not counted in ClinVar's aggregate classification.
Comment: Variant summary: BRCA2 c.8951C>A (p.Ser2984X) results in a premature termination codon, predicted to cause a truncation of the encoded protein or absence of the protein due to nonsense mediated decay, which are commonly known mechanisms for disease. Truncations downstream of this position have been classified as pathogenic by our laboratory. The variant was absent in 248098 control chromosomes. c.8951C>A has been reported in the literature in individuals affected with Hereditary Breast And Ovarian Cancer Syndrome. These data indicate that the variant may be associated with disease. Five clinical diagnostic laboratories have submitted clinical-significance assessments for this variant to ClinVar after 2014 without evidence for independent evaluation. All laboratories classified the variant as pathogenic. Based on the evidence outlined above, the variant was classified as pathogenic.

Consortium of Investigators of Modifiers of BRCA1/2 (CIMBA), c/o University of Cambridge
Classification: Pathogenic for Breast-ovarian cancer, familial, susceptibility to, 2. Last evaluated: 2015-10-02. Review status: criteria provided, single submitter. Criteria: CIMBA Mutation Classification guidelines May 2016. Collection method: clinical testing. Allele origin: germline. Not counted in ClinVar's aggregate classification.

Literature cited by the submitters: PubMed 8988179 (cited by Color Diagnostics, LLC DBA Color Health); PubMed 12649099 (cited by Color Diagnostics, LLC DBA Color Health); PubMed 16644204 (cited by Color Diagnostics, LLC DBA Color Health); PubMed 22798144 (cited by Color Diagnostics, LLC DBA Color Health); PubMed 28205045 (cited by Color Diagnostics, LLC DBA Color Health); PubMed 31837001 (cited by Color Diagnostics, LLC DBA Color Health); PubMed 32019277 (cited by Color Diagnostics, LLC DBA Color Health); PubMed 20104584 (cited by Labcorp Genetics (formerly Invitae), Labcorp); PubMed 30720863 (cited by Women's Health and Genetics/Laboratory Corporation of America, LabCorp).

NM_000059.4(BRCA2):c.8951C>A (p.Ser2984Ter)

Gene: BRCA2 (BRCA2 DNA repair associated; plus strand). Cytogenetic location: 13q13.1.
Variant type: single nucleotide variant.
Coding change: c.8951C>A on transcript NM_000059.4 (MANE Select); coding-DNA position 8951, C replaced by A.
Protein change: p.Ser2984Ter; replaces serine 2984 with a stop codon.
Molecular consequence: nonsense.
Genome position (GRCh38, 1-based): chr13:32,379,513, C>A. VCF-style: chr13-32379513-C-A. GRCh37 (hg19) VCF-style: chr13-32953650-C-A.
Other names: 9179C>A; short protein forms S2984*.
Identifiers: ClinVar variation 267123 (VCV000267123.22), dbSNP rs80359146, ClinGen allele CA10589532.
Genomic context (GRCh38, chr13:32,379,513, plus strand): 5'-GGGATGTCACAACCGTGTGGAAGTTGCGTATTGTAAGCTATTCAAAAAAAGAAAAAGATT[C>A]AGGTAAGTATGTAAATGCTTTGTTTTTATCAGTTTTATTAACTTAAAAAATGACCTTACT-3'